The following is an entry in ClinVar:

NM_000179.3(MSH6):c.1396T>G (p.Phe466Val)

Gene: MSH6 (mutS homolog 6; plus strand). Cytogenetic location: 2p16.3.
Variant type: single nucleotide variant.
Coding change: c.1396T>G on transcript NM_000179.3 (MANE Select); coding-DNA position 1396, T replaced by G.
Protein change: p.Phe466Val; replaces phenylalanine 466 with valine.
Molecular consequence: missense variant. On other transcripts: non-coding transcript variant (4), intron variant (1).
Genome position (GRCh38, 1-based): chr2:47,799,379, T>G. VCF-style: chr2-47799379-T-G. GRCh37 (hg19) VCF-style: chr2-48026518-T-G.
Other names: c.1006T>G, p.Phe336Val (NM_001281492.2); c.490T>G, p.Phe164Val (NM_001281493.2, NM_001281494.2, NM_001406811.1 and 6 more transcripts); c.1492T>G, p.Phe498Val (NM_001406795.1, NM_001406802.1); c.1396T>G, p.Phe466Val (NM_001406796.1, NM_001406798.1, NM_001406800.1 and 4 more transcripts); c.1099T>G, p.Phe367Val (NM_001406797.1, NM_001406801.1, NM_001406805.1 and 10 more transcripts); c.871T>G, p.Phe291Val (NM_001406799.1, NM_001406806.1, NM_001406807.1); c.1318T>G, p.Phe440Val (NM_001406804.1); c.1402T>G, p.Phe468Val (NM_001406813.1); and 2 more; short protein forms F336V, F367V, F410V, F291V, F466V, F498V, F164V, F440V.
Identifiers: ClinVar variation 4657862 (VCV004657862.1).

ClinVar aggregate classification (germline): Uncertain significance (1 of 4 stars; one submission).

Conditions:
Hereditary cancer-predisposing syndrome. Also called: Neoplastic Syndromes, Hereditary; Tumor predisposition; Hereditary Cancer Syndrome; Hereditary neoplastic syndrome. Identifiers: Orphanet 140162, MedGen C0027672, MeSH D009386, MONDO:0015356.

Submission:

Ambry Genetics
Classification: Uncertain significance for Hereditary cancer-predisposing syndrome. Last evaluated: 2025-10-23. Review status: criteria provided, single submitter. Criteria: Ambry Variant Classification Scheme 2023. Collection method: clinical testing. Allele origin: germline.
Comment: The p.F466V variant (also known as c.1396T>G), located in coding exon 4 of the MSH6 gene, results from a T to G substitution at nucleotide position 1396. The phenylalanine at codon 466 is replaced by valine, an amino acid with highly similar properties. This amino acid position is conserved. In addition, this alteration is predicted to be deleterious by in silico analysis. Based on the available evidence, the clinical significance of this variant remains unclear.